The following is an entry in ClinVar:

NM_001848.3(COL6A1):c.2072T>C (p.Ile691Thr)

Gene: COL6A1 (collagen type VI alpha 1 chain; plus strand). Cytogenetic location: 21q22.3.
Variant type: single nucleotide variant.
Coding change: c.2072T>C on transcript NM_001848.3 (MANE Select); coding-DNA position 2072, T replaced by C.
Protein change: p.Ile691Thr; replaces isoleucine 691 with threonine.
Molecular consequence: missense variant.
Genome position (GRCh38, 1-based): chr21:46,002,223, T>C. VCF-style: chr21-46002223-T-C. GRCh37 (hg19) VCF-style: chr21-47422137-T-C.
Other names: short protein forms I691T.
Identifiers: ClinVar variation 4686893 (VCV004686893.1).

ClinVar aggregate classification (germline): Uncertain significance (1 of 4 stars; one submission).

gnomAD v4.1: 1 of 1,601,618 alleles (0.000062%); highest among the groups gnomAD compares: Non-Finnish European, 0.000085%; no homozygotes.

Submission:

GeneDx
Classification: Uncertain significance. Last evaluated: 2025-07-21. Review status: criteria provided, single submitter. Criteria: GeneDx Variant Classification Process June 2021. Collection method: clinical testing. Allele origin: germline. Affected: yes.
Comment: Not observed at significant frequency in large population cohorts (gnomAD); In silico analysis supports that this missense variant has a deleterious effect on protein structure/function; Has not been previously published as pathogenic or benign to our knowledge